The following is an entry in ClinVar:

NM_003500.4(ACOX2):c.450G>A (p.Thr150=)

Gene: ACOX2 (acyl-CoA oxidase 2; minus strand). Cytogenetic location: 3p14.3.
Variant type: single nucleotide variant.
Coding change: c.450G>A on transcript NM_003500.4 (MANE Select); coding-DNA position 450, G replaced by A.
Protein change: p.Thr150=; no amino-acid change (threonine 150 retained).
Molecular consequence: synonymous variant.
Genome position (GRCh38, 1-based): chr3:58,534,019, C>T on the plus strand (G>A on the coding strand, the complement: ACOX2 is on the minus strand). VCF-style: chr3-58534019-C-T. GRCh37 (hg19) VCF-style: chr3-58519746-C-T.
Identifiers: ClinVar variation 732034 (VCV000732034.9), dbSNP rs532557739, ClinGen allele CA2472410.
Genomic context (GRCh38, chr3:58,534,019, plus strand): 5'-CAACCTAAACACCACACGCAGCAGTCCTAGCTCACCATGTCCCAACTCTGTCTGTGCATA[C>T]GTTGCGATGATCTGGATGTTTTTGCAGAGTGGGTCCCATTTGGCAATCTGCTCCTCTGAG-3'
Protein context (NP_003491.1, residues 140-160): PLCKNIQIIA[Thr150=]YAQTELGHGT

ClinVar aggregate classification (germline): Likely benign. Review status: criteria provided, multiple submitters, no conflicts (2 of 4 stars). 2 submissions from 2 submitters: Likely benign (2). Last evaluated 2026-02-23.

Conditions:
ACOX2-related disorder. Also called: ACOX2-related condition.

Allele frequency attached by ClinVar (database versions not stated): gnomAD exomes 0.00008 and 0.00022; TOPMed 0.00012; gnomAD 0.00014 and 0.00017; 1000 Genomes Project 30x 0.00016; 1000 Genomes Project 0.00020; ExAC 0.00028.
gnomAD v4.1: 136 of 1,614,188 alleles (0.0084%); highest among the groups gnomAD compares: South Asian, 0.08%; no homozygotes.

Submissions (2):

PreventionGenetics, part of Exact Sciences
Classification: Likely benign for ACOX2-related condition. Last evaluated: 2026-02-23. Review status: criteria provided, single submitter. Criteria: ACMG Guidelines, 2015. Collection method: clinical testing. Allele origin: germline.
Comment: This variant is classified as likely benign based on ACMG/AMP sequence variant interpretation guidelines (Richards et al. 2015 PMID: 25741868, with internal and published modifications).

Labcorp Genetics (formerly Invitae), Labcorp
Classification: Likely benign. Last evaluated: 2026-01-15. Review status: criteria provided, single submitter. Criteria: Invitae Variant Classification Sherloc (09022015). Collection method: clinical testing. Allele origin: germline.